The following is an entry in ClinVar:

NM_001379200.1(TBX1):c.438-3C>T

Gene: TBX1 (T-box transcription factor 1; plus strand). Cytogenetic location: 22q11.21.
Variant type: single nucleotide variant.
Coding change: c.438-3C>T on transcript NM_001379200.1 (MANE Select); 3 bases into the intron before coding-DNA position 438, C replaced by T.
Molecular consequence: intron variant.
Genome position (GRCh38, 1-based): chr22:19,763,238, C>T. VCF-style: chr22-19763238-C-T. GRCh37 (hg19) VCF-style: chr22-19750761-C-T.
Other names: c.411-3C>T (NM_005992.1, NM_080646.2, NM_080647.1).
Identifiers: ClinVar variation 4747687 (VCV004747687.1).

ClinVar aggregate classification (germline): Uncertain significance (1 of 4 stars; one submission).

Conditions:
DiGeorge syndrome. Also called: THIRD AND FOURTH PHARYNGEAL POUCH SYNDROME; Catch22. Identifiers: Orphanet 567, MedGen C0012236, MONDO:0008564, OMIM 188400.

gnomAD v4.1: 7 of 1,613,906 alleles (0.00043%); highest among the groups gnomAD compares: Non-Finnish European, 0.00059%; no homozygotes.

Submission:

Labcorp Genetics (formerly Invitae), Labcorp
Classification: Uncertain significance for DiGeorge syndrome. Last evaluated: 2026-01-01. Review status: criteria provided, single submitter. Criteria: Invitae Variant Classification Sherloc (09022015). Collection method: clinical testing. Allele origin: germline.
Comment: This sequence change falls in intron 3 of the TBX1 gene. It does not directly change the encoded amino acid sequence of the TBX1 protein. It affects a nucleotide within the consensus splice site. This variant is not present in population databases (gnomAD no frequency). This variant has not been reported in the literature in individuals affected with TBX1-related conditions. Variants that disrupt the consensus splice site are a relatively common cause of aberrant splicing (PMID: 17576681, 9536098). Algorithms developed to predict the effect of sequence changes on RNA splicing suggest that this variant is not likely to affect RNA splicing. In summary, the available evidence is currently insufficient to determine the role of this variant in disease. Therefore, it has been classified as a Variant of Uncertain Significance.

Literature cited by the submitters: PubMed 17576681; PubMed 9536098.